The following is an entry in ClinVar:

ClinVar aggregate classification (germline): Uncertain significance (1 of 4 stars; one submission).

Conditions:
Hereditary breast ovarian cancer syndrome. Also called: Hereditary breast and ovarian cancer syndrome (HBOC); Hereditary breast and ovarian cancer; Hereditary breast and/or ovarian cancer syndrome; BRCA1- and BRCA2-Associated Hereditary Breast and Ovarian Cancer; Hereditary breast and ovarian cancer syndrome; Breast and ovarian cancer. Identifiers: Orphanet 145, MedGen C0677776, MeSH D061325, MONDO:0003582. Disease mechanism: loss of function.

Allele frequency attached by ClinVar (database versions not stated): gnomAD exomes below 0.00001.
gnomAD v4.1: 1 of 1,614,110 alleles (0.000062%); highest among the groups gnomAD compares: South Asian, 0.0011%; no homozygotes.

Submission:

Labcorp Genetics (formerly Invitae), Labcorp
Classification: Uncertain significance for Hereditary breast ovarian cancer syndrome. Last evaluated: 2021-05-13. Review status: criteria provided, single submitter. Criteria: Invitae Variant Classification Sherloc (09022015). Collection method: clinical testing. Allele origin: germline.
Comment: This sequence change replaces asparagine with lysine at codon 3168 of the BRCA2 protein (p.Asn3168Lys). The asparagine residue is moderately conserved and there is a moderate physicochemical difference between asparagine and lysine. This variant is not present in population databases (ExAC no frequency). This variant has not been reported in the literature in individuals with BRCA2-related conditions. Algorithms developed to predict the effect of missense changes on protein structure and function are either unavailable or do not agree on the potential impact of this missense change (SIFT: "Deleterious"; PolyPhen-2: "Possibly Damaging"; Align-GVGD: "Class C0"). In summary, the available evidence is currently insufficient to determine the role of this variant in disease. Therefore, it has been classified as a Variant of Uncertain Significance.

NM_000059.4(BRCA2):c.9504T>A (p.Asn3168Lys)

Gene: BRCA2 (BRCA2 DNA repair associated; plus strand). Cytogenetic location: 13q13.1.
Variant type: single nucleotide variant.
Coding change: c.9504T>A on transcript NM_000059.4 (MANE Select); coding-DNA position 9504, T replaced by A.
Protein change: p.Asn3168Lys; replaces asparagine 3168 with lysine.
Molecular consequence: missense variant.
Genome position (GRCh38, 1-based): chr13:32,396,900, T>A. VCF-style: chr13-32396900-T-A. GRCh37 (hg19) VCF-style: chr13-32971037-T-A.
Other names: c.9408T>A, p.Asn3136Lys (NM_001406719.1); c.9453T>A, p.Asn3151Lys (NM_001406720.1); c.4572T>A, p.Asn1524Lys (NM_001406721.1); c.3087T>A, p.Asn1029Lys (NM_001406722.1); short protein forms N1029K, N3168K, N3151K, N1524K, N3136K.
Identifiers: ClinVar variation 1949481 (VCV001949481.5), dbSNP rs2073039848, ClinGen allele CA387762829.